The following is an entry in ClinVar:

NM_002819.5(PTBP1):c.39+2_39+5del

Gene: PTBP1 (polypyrimidine tract binding protein 1; plus strand). Cytogenetic location: 19p13.3.
Variant type: Deletion.
Coding change: c.39+2_39+5del on transcript NM_002819.5 (MANE Select); the canonical splice donor site of the intron after coding-DNA position 39 through 5 bases into the intron after coding-DNA position 39, 4 bases deleted (TAGG; older notation c.39+2_39+5delTAGG).
Molecular consequence: splice donor variant.
Genome position (GRCh38, 1-based): chr19:799,445-799,448, TAGG deleted; deleting any 4 consecutive bases within chr19:799,442-799,448 gives the same sequence; the c. name uses the placement nearest the transcript's 3' end. VCF-style (leftmost placement, unchanged base first): chr19-799441-AAGGT-A. GRCh37 (hg19) VCF-style: chr19-799441-AAGGT-A.
Other names: c.39+2_39+5del (NM_031990.4, NM_031991.4); c.45+2_45+5del (NM_001411140.1).
Identifiers: ClinVar variation 4540189 (VCV004540189.1).

ClinVar aggregate classification (germline): Uncertain significance (1 of 4 stars; one submission).

Submission:

GeneDx
Classification: Uncertain significance. Last evaluated: 2025-06-28. Review status: criteria provided, single submitter. Criteria: GeneDx Variant Classification Process June 2021. Collection method: clinical testing. Allele origin: germline. Affected: yes.
Comment: Not observed at significant frequency in large population cohorts (gnomAD); Canonical splice site variant in a gene for which loss-of-function is not an established mechanism of disease; Has not been previously published as pathogenic or benign to our knowledge; Variants in candidate genes are classified as variants of uncertain significance in accordance with ACMG guidelines (PMID: 25741868)